The following is an entry in ClinVar:

NM_001394998.1(TANC2):c.1033+9TTG[8]

Gene: TANC2 (tetratricopeptide repeat, ankyrin repeat and coiled-coil containing 2; plus strand). Cytogenetic location: 17q23.3.
Variant type: Microsatellite.
Coding change: c.1033+9TTG[8] on transcript NM_001394998.1 (MANE Select); eight copies in a row of the 3-base unit TTG starting at c.1033+9; the reference has seven copies in a row; one copy, 3 bases duplicated.
Molecular consequence: intron variant.
Genome position (GRCh38, 1-based): chr17:63,238,104-63,238,106, TTG duplicated; duplicating any 3 consecutive bases within chr17:63,238,086-63,238,106 gives the same sequence; the position shown is the placement nearest the transcript's 3' end. VCF-style (leftmost placement, unchanged base first): chr17-63238085-T-TTTG. GRCh37 (hg19) VCF-style: chr17-61315446-T-TTTG.
Other names: c.811+9TTG[8] (NM_001411076.1, NM_025185.4).
Identifiers: ClinVar variation 2648043 (VCV002648043.24), dbSNP rs565306580, ClinGen allele CA8697481.

ClinVar aggregate classification (germline): Likely benign (1 of 4 stars; one submission).

Submission:

CeGaT Center for Human Genetics Tuebingen
Classification: Likely benign. Last evaluated: 2026-07-01. Review status: criteria provided, single submitter. Criteria: CeGaT Center For Human Genetics Tuebingen Variant Classification Criteria Version 2. Collection method: clinical testing. Allele origin: germline. Affected: yes. Observed: 6 variant alleles.
Comment: TANC2: BS1